The following is an entry in ClinVar:

ClinVar aggregate classification (germline): Likely benign (1 of 4 stars; one submission).

Submission:

CeGaT Center for Human Genetics Tuebingen
Classification: Likely benign. Last evaluated: 2025-06-01. Review status: criteria provided, single submitter. Criteria: CeGaT Center For Human Genetics Tuebingen Variant Classification Criteria Version 2. Collection method: clinical testing. Allele origin: germline. Affected: yes. Observed: 1 variant allele.
Comment: PRX: PM2:Supporting, BP4, BP7

NM_181882.3(PRX):c.879C>T (p.Pro293=)

Gene: PRX (periaxin; minus strand). Cytogenetic location: 19q13.2.
Variant type: single nucleotide variant.
Coding change: c.879C>T on transcript NM_181882.3 (MANE Select); coding-DNA position 879, C replaced by T.
Protein change: p.Pro293=; no amino-acid change (proline 293 retained).
Molecular consequence: synonymous variant. On other transcripts: 3 prime UTR variant (1).
Genome position (GRCh38, 1-based): chr19:40,397,473, G>A on the plus strand (C>T on the coding strand, the complement: PRX is on the minus strand). VCF-style: chr19-40397473-G-A. GRCh37 (hg19) VCF-style: chr19-40903380-G-A.
Other names: c.1164C>T, p.Pro388= (NM_001411127.1); c.*1084C>T (NM_020956.2).
Identifiers: ClinVar variation 4085143 (VCV004085143.8).
Genomic context (GRCh38, chr19:40,397,473, plus strand): 5'-CTCTAGGCAGGGAAGTGTGGGCAGAGTGGGCAGTGAGGGCAAGGCAGGCAGCTCCACCTG[G>A]GGGACCTGGATTCCCACGGCTGGGGCCTCCACAGCAGGCGGAGCCGGGGCTCCGAGCCCA-3'
Protein context (NP_870998.2, residues 283-303): VEAPAVGIQV[Pro293=]QVELPALPSL